The following is an entry in ClinVar:

ClinVar aggregate classification (germline): Conflicting classifications of pathogenicity. Review status: criteria provided, conflicting classifications (1 of 4 stars). 8 submissions from 8 submitters: Uncertain significance (7); Likely benign (1). Last evaluated 2025-12-29.

Conditions:
Autosomal recessive nonsyndromic hearing loss 97. Also called: Deafness, autosomal recessive 97. Identifiers: Orphanet 90636, MedGen C4084709, MONDO:0014739, OMIM 616705.
Hepatocellular carcinoma (HCC). Also called: Primary carcinoma of liver; HEPATOMA; LIVER CELL CARCINOMA. Identifiers: Orphanet 88673, MedGen C2239176, MONDO:0007256, OMIM 114550, HP:0001402.
Osteofibrous dysplasia (OSFD). Also called: Tibia, bowing of, with pseudarthrosis and pectus excavatum. Identifiers: Orphanet 488265, MedGen C4085248, MONDO:0011806, OMIM 607278.
Papillary renal cell carcinoma type 1 (RCCP1). Also called: RENAL CELL CARCINOMA, PAPILLARY, 1, SOMATIC; Renal adenocarcinoma; Renal cell carcinoma 1; Renal cell carcinoma, somatic. Identifiers: Orphanet 47044, MedGen C1336839, OMIM 605074, HP:0011797.
MET-related disorder. Also called: MET-related condition.
Hereditary cancer-predisposing syndrome. Also called: Hereditary neoplastic syndrome; Hereditary Cancer Syndrome; Neoplastic Syndromes, Hereditary; Tumor predisposition. Identifiers: Orphanet 140162, MedGen C0027672, MeSH D009386, MONDO:0015356.
Renal cell carcinoma. Identifiers: Orphanet 217071, MedGen C0007134, MeSH D002292, MONDO:0005086, HP:0005584.

Allele frequency attached by ClinVar (database versions not stated): TOPMed 0.00006; gnomAD 0.00007; ESP Exome Variant Server 0.00042; gnomAD exomes 0.00004; ExAC 0.00005.
gnomAD v4.1: 69 of 1,613,852 alleles (0.0043%); highest among the groups gnomAD compares: Non-Finnish European, 0.0053%; no homozygotes.

Submissions (8):

Labcorp Genetics (formerly Invitae), Labcorp
Classification: Uncertain significance for Renal cell carcinoma. Last evaluated: 2025-12-29. Review status: criteria provided, single submitter. Criteria: Invitae Variant Classification Sherloc (09022015). Collection method: clinical testing. Allele origin: germline.
Comment: This sequence change replaces threonine, which is neutral and polar, with isoleucine, which is neutral and non-polar, at codon 621 of the MET protein (p.Thr621Ile). This variant is present in population databases (rs375951814, gnomAD 0.007%). This variant has not been reported in the literature in individuals affected with MET-related conditions. ClinVar contains an entry for this variant (Variation ID: 524880). An algorithm developed to predict the effect of missense changes on protein structure and function outputs the following: PolyPhen-2: "Benign". The isoleucine amino acid residue is found in multiple mammalian species, which suggests that this missense change does not adversely affect protein function. In summary, the available evidence is currently insufficient to determine the role of this variant in disease. Therefore, it has been classified as a Variant of Uncertain Significance.

GeneDx
Classification: Uncertain significance. Last evaluated: 2025-11-04. Review status: criteria provided, single submitter. Criteria: GeneDx Variant Classification Process June 2021. Collection method: clinical testing. Allele origin: germline. Affected: yes.
Comment: In silico analysis suggests that this missense variant does not alter protein structure/function; Has not been previously published as pathogenic or benign to our knowledge

PreventionGenetics, part of Exact Sciences
Classification: Uncertain significance for MET-related condition. Last evaluated: 2025-09-03. Review status: criteria provided, single submitter. Criteria: ACMG Guidelines, 2015. Collection method: clinical testing. Allele origin: germline.
Comment: The MET c.1862C>T variant is predicted to result in the amino acid substitution p.Thr621Ile. To our knowledge, this variant has not been reported in the literature. This variant is reported in 0.0070% of alleles in individuals of European (Non-Finnish) descent in gnomAD. This variant has conflicting interpretations in ClinVar ranging from uncertain significance to likely benign (Variation ID: 524880). At this time, the clinical significance of this variant is uncertain due to the absence of conclusive functional and genetic evidence.

Center for Genomic Medicine, Rigshospitalet, Copenhagen University Hospital
Classification: Uncertain significance. Last evaluated: 2025-03-04. Review status: criteria provided, single submitter. Criteria: ACMG Guidelines, 2015. Collection method: clinical testing. Allele origin: germline.

Quest Diagnostics Nichols Institute San Juan Capistrano
Classification: Uncertain significance. Last evaluated: 2024-04-15. Review status: criteria provided, single submitter. Criteria: Quest Diagnostics criteria. Collection method: clinical testing. Allele origin: unknown.

Ambry Genetics
Classification: Likely benign for Hereditary cancer-predisposing syndrome. Last evaluated: 2023-01-26. Review status: criteria provided, single submitter. Criteria: Ambry Variant Classification Scheme 2023. Collection method: clinical testing. Allele origin: germline.

Institute for Clinical Genetics, University Hospital TU Dresden, University Hospital TU Dresden
Classification: Uncertain significance. Last evaluated: 2021-11-03. Review status: criteria provided, single submitter. Criteria: ACMG Guidelines, 2015. Collection method: clinical testing. Allele origin: germline.

Fulgent Genetics
Classification: Uncertain significance for Hepatocellular carcinoma; Papillary renal cell carcinoma type 1; Osteofibrous dysplasia; Autosomal recessive nonsyndromic hearing loss 97. Last evaluated: 2021-08-04. Review status: criteria provided, single submitter. Criteria: ACMG Guidelines, 2015. Collection method: clinical testing. Allele origin: unknown.

NM_000245.4(MET):c.1862C>T (p.Thr621Ile)

Gene: MET (MET proto-oncogene, receptor tyrosine kinase; plus strand). Cytogenetic location: 7q31.2.
Variant type: single nucleotide variant.
Coding change: c.1862C>T on transcript NM_000245.4 (MANE Select); coding-DNA position 1862, C replaced by T.
Protein change: p.Thr621Ile; replaces threonine 621 with isoleucine.
Molecular consequence: missense variant.
Genome position (GRCh38, 1-based): chr7:116,755,515, C>T. VCF-style: chr7-116755515-C-T. GRCh37 (hg19) VCF-style: chr7-116395569-C-T.
Other names: c.1862C>T, p.Thr621Ile (NM_001127500.3, NM_001324401.3); c.572C>T, p.Thr191Ile (NM_001324402.2); c.1862C>T (NM_001127500.2); short protein forms T621I, T191I.
Identifiers: ClinVar variation 524880 (VCV000524880.26), dbSNP rs375951814, ClinGen allele CA4448286.
Genomic context (GRCh38, chr7:116,755,515, plus strand): 5'-CTAGAGTTCTCCTTGGAAATGAGAGCTGCACCTTGACTTTAAGTGAGAGCACGATGAATA[C>T]GTAAGGATCTTAAAATGCTTTGCTGGGGTGTGCTTGGAAAATAGGTTTTGTTTTTGAATG-3'
Protein context (NP_000236.2, residues 611-631): TLTLSESTMN[Thr621Ile]LKCTVGPAMN